The following is an entry in ClinVar:

NM_014003.4(DHX38):c.3056del (p.Lys1019fs)

Genes: DHX38 (DEAH-box helicase 38; plus strand), LOC126862391 (CDK7 strongly-dependent group 2 enhancer GRCh37_chr16:72141414-72142613; plus strand). Cytogenetic location: 16q22.2.
Variant type: Deletion.
Coding change: c.3056del on transcript NM_014003.4 (MANE Select); coding-DNA position 3056, one base deleted (A; older notation c.3056delA).
Protein change: p.Lys1019fs; shifts the reading frame from lysine 1019.
Molecular consequence: frameshift variant.
Genome position (GRCh38, 1-based): chr16:72,108,318, A deleted; the last of 2 consecutive A bases (chr16:72,108,317-72,108,318); deleting either gives the same sequence. VCF-style (leftmost placement, unchanged base first): chr16-72108316-GA-G. GRCh37 (hg19) VCF-style: chr16-72142215-GA-G.
Other names: Lys1019fs; short protein forms K1019fs.
Identifiers: ClinVar variation 1802696 (VCV001802696.2), dbSNP rs2507119466, ClinGen allele CA2580614109.

ClinVar aggregate classification (germline): not provided (0 of 4 stars; one submission).

Conditions:
Retinitis pigmentosa 84 (RP84). Identifiers: MedGen C4748725, MONDO:0032604, OMIM 618220.

Submission:

Medical Research Center, Medical College, Shaoxing University
No classification provided. Condition: Retinitis pigmentosa 84. Last evaluated: 2022-11-26. Review status: no classification provided. Collection method: phenotyping only. Allele origin: maternal. Inheritance: Autosomal recessive inheritance. Affected: yes. Observed: 1 heterozygote.
Comment: The Gly332Asp variant in DHX38 has been reported in 1 consanguineous Pakistani family with early-onset retinitis pigmentosa and macular coloboma (Ajmal 2014), and was absent from 180 ethnically matched controls or in the Exome Variant Server, 1000 Genomes Project, or dbSNP databases. In summary, the Gly332Asp variant meets our criteria to be classified as likely pathogenic.